The following is an entry in ClinVar:

ClinVar aggregate classification (germline): Pathogenic. Review status: criteria provided, multiple submitters, no conflicts (2 of 4 stars). 2 submissions from 2 submitters: Pathogenic (2). Last evaluated 2024-05-08.

Conditions:
Nemaline myopathy 2 (NEM2). Also called: Nemaline myopathy 2, autosomal recessive. Identifiers: MedGen C1850569, MONDO:0009725, OMIM 256030.

Allele frequency attached by ClinVar (database versions not stated): gnomAD exomes below 0.00001; ExAC 0.00001.

Submissions (2):

Myriad Genetics, Inc.
Classification: Pathogenic for Nemaline myopathy 2. Last evaluated: 2024-05-08. Review status: criteria provided, single submitter. Criteria: Myriad Autosomal Dominant, Autosomal Recessive and X-Linked Classification Criteria (2023). Collection method: clinical testing. Allele origin: unknown.
Comment: NM_001271208.1(NEB):c.7966A>T(K2656*) is expected to be pathogenic in the context of NEB-related nemaline myopathy. This variant is predicted to lead to an abnormal or absent protein product due to the creation of a premature termination codon in NEB, a gene where loss-of-function variants are known to be pathogenic. Please note: this variant was assessed in the context of healthy population screening.

GeneDx
Classification: Pathogenic. Last evaluated: 2019-02-13. Review status: criteria provided, single submitter. Criteria: GeneDx Variant Classification (06012015). Collection method: clinical testing. Allele origin: germline. Affected: yes.
Comment: The K2656X variant in the NEB gene has not been reported previously as a pathogenic variant nor as a benign variant, to our knowledge. This variant is predicted to cause loss of normal protein function either through protein truncation or nonsense-mediated mRNA decay. The K2656X variant is not observed at a significant frequency in large population cohorts (Lek et al., 2016). We interpret K2656X as a pathogenic variant.

NM_001164508.2(NEB):c.7966A>T (p.Lys2656Ter)

Gene: NEB (nebulin; minus strand). Cytogenetic location: 2q23.3.
Variant type: single nucleotide variant.
Coding change: c.7966A>T on transcript NM_001164508.2 (MANE Select); coding-DNA position 7966, A replaced by T.
Protein change: p.Lys2656Ter; replaces lysine 2656 with a stop codon.
Molecular consequence: nonsense.
Genome position (GRCh38, 1-based): chr2:151,643,344, T>A on the plus strand (A>T on the coding strand, the complement: NEB is on the minus strand). VCF-style: chr2-151643344-T-A. GRCh37 (hg19) VCF-style: chr2-152499858-T-A.
Other names: c.7966A>T, p.Lys2656Ter (NM_001164507.2, NM_001271208.2, NM_004543.5); short protein forms K2656*.
Identifiers: ClinVar variation 816962 (VCV000816962.2), dbSNP rs745420110, ClinGen allele CA1909704.
Genomic context (GRCh38, chr2:151,643,344, plus strand): 5'-CATCCTCGAGAGAACCACTAGTCATCCAGCCAATGCCTTTTAGCCACTGAAGGTCTGACT[T>A]GTACAAATTCTGAAAGTGCAAGTGACAAATTTGTCATAATTAAATCATTTATCACAATTT-3'